The following is an entry in ClinVar:

ClinVar aggregate classification (germline): Pathogenic (1 of 4 stars; one submission).

Conditions:
Familial cancer of breast. Also called: BREAST CANCER, FAMILIAL; Hereditary breast cancer; hereditary breast carcinoma. Identifiers: Orphanet 227535, MedGen C0346153, MONDO:0016419, OMIM 114480. Disease mechanism: loss of function.

Submission:

Myriad Genetics, Inc.
Classification: Pathogenic for Familial cancer of breast. Last evaluated: 2024-03-05. Review status: criteria provided, single submitter. Criteria: Myriad Autosomal Dominant, Autosomal Recessive and X-Linked Classification Criteria (2023). Collection method: clinical testing. Allele origin: unknown.
Comment: This variant is considered pathogenic. This variant creates a frameshift predicted to result in premature protein truncation.

NM_000051.4(ATM):c.5091_5094delinsAA (p.Lys1698fs)

Gene: ATM (ATM serine/threonine kinase; plus strand). Cytogenetic location: 11q22.3.
Variant type: Indel.
Coding change: c.5091_5094delinsAA on transcript NM_000051.4 (MANE Select); coding-DNA positions 5091 to 5094, CAAG replaced by AA.
Protein change: p.Lys1698fs; shifts the reading frame from lysine 1698.
Molecular consequence: frameshift variant.
Genome position (GRCh38, 1-based): chr11:108,299,799-108,299,802, CAAG replaced by AA. VCF-style: chr11-108299799-CAAG-AA. GRCh37 (hg19) VCF-style: chr11-108170526-CAAG-AA.
Other names: c.5091_5094delinsAA, p.Lys1698fs (NM_001351834.2); short protein forms K1698fs.
Identifiers: ClinVar variation 3148715 (VCV003148715.1), dbSNP rs2546964809, ClinGen allele CA2825001916.